The following is an entry in ClinVar:

ClinVar aggregate classification (germline): Likely benign. Review status: criteria provided, multiple submitters, no conflicts (2 of 4 stars). 5 submissions from 5 submitters: Likely benign (5). Last evaluated 2026-04-01.

Conditions:
Muscular dystrophy-dystroglycanopathy (congenital with brain and eye anomalies), type A13. Also called: Muscular dystrophy-dystroglycanopathy (congenital with brain and eye anomalies), type a, 13; WALKER-WARBURG SYNDROME OR MUSCLE-EYE-BRAIN DISEASE, B3GNT1-RELATED. Identifiers: Orphanet 899, MedGen C3809042, MONDO:0014120, OMIM 615287.

Allele frequency attached by ClinVar (database versions not stated): gnomAD exomes 0.00053; gnomAD 0.00058 and 0.00059; TOPMed 0.00060; ESP Exome Variant Server 0.00070; ExAC 0.00104.

Submissions (5):

CeGaT Center for Human Genetics Tuebingen
Classification: Likely benign. Last evaluated: 2026-04-01. Review status: criteria provided, single submitter. Criteria: CeGaT Center For Human Genetics Tuebingen Variant Classification Criteria Version 2. Collection method: clinical testing. Allele origin: germline. Affected: yes. Observed: 3 variant alleles.
Comment: B4GAT1: BP4, BP7

Labcorp Genetics (formerly Invitae), Labcorp
Classification: Likely benign for Muscular dystrophy-dystroglycanopathy (congenital with brain and eye anomalies), type A13. Last evaluated: 2026-01-11. Review status: criteria provided, single submitter. Criteria: Invitae Variant Classification Sherloc (09022015). Collection method: clinical testing. Allele origin: germline.

Mayo Clinic Laboratories, Mayo Clinic
Classification: Likely benign. Last evaluated: 2025-09-09. Review status: criteria provided, single submitter. Criteria: ACMG Guidelines, 2015. Collection method: clinical testing. Allele origin: germline. Observed: 1 variant allele.
Comment: BP4, BP7

Blueprint Genetics
Classification: Likely benign. Last evaluated: 2024-10-17. Review status: criteria provided, single submitter. Criteria: ACMG Guidelines, 2015. Collection method: clinical testing. Allele origin: germline.

GeneDx
Classification: Likely benign. Last evaluated: 2020-10-09. Review status: criteria provided, single submitter. Criteria: GeneDx Variant Classification Process June 2021. Collection method: clinical testing. Allele origin: germline. Affected: yes.

NM_006876.3(B4GAT1):c.69G>C (p.Ala23=)

Gene: B4GAT1 (beta-1,4-glucuronyltransferase 1; minus strand). Cytogenetic location: 11q13.2.
Variant type: single nucleotide variant.
Coding change: c.69G>C on transcript NM_006876.3 (MANE Select); coding-DNA position 69, G replaced by C.
Protein change: p.Ala23=; no amino-acid change (alanine 23 retained).
Molecular consequence: synonymous variant.
Genome position (GRCh38, 1-based): chr11:66,347,477, C>G on the plus strand (G>C on the coding strand, the complement: B4GAT1 is on the minus strand). VCF-style: chr11-66347477-C-G. GRCh37 (hg19) VCF-style: chr11-66114948-C-G.
Other names: p.Ala23=.
Identifiers: ClinVar variation 421895 (VCV000421895.37), dbSNP rs146812867, ClinGen allele CA6120610.